The following is an entry in ClinVar:

ClinVar aggregate classification (germline): Uncertain significance (1 of 4 stars; one submission).

Conditions:
Primary ciliary dyskinesia 32. Also called: CILIARY DYSKINESIA, PRIMARY, 32, WITHOUT SITUS INVERSUS. Identifiers: Orphanet 244, MedGen C4225311, MONDO:0014657, OMIM 616481.

Submission:

Labcorp Genetics (formerly Invitae), Labcorp
Classification: Uncertain significance for Primary ciliary dyskinesia 32. Last evaluated: 2022-02-03. Review status: criteria provided, single submitter. Criteria: Invitae Variant Classification Sherloc (09022015). Collection method: clinical testing. Allele origin: germline.
Comment: This sequence change replaces arginine, which is basic and polar, with glycine, which is neutral and non-polar, at codon 18 of the RSPH3 protein (p.Arg18Gly). This variant is not present in population databases (gnomAD no frequency). This variant has not been reported in the literature in individuals affected with RSPH3-related conditions. Algorithms developed to predict the effect of missense changes on protein structure and function are either unavailable or do not agree on the potential impact of this missense change (SIFT: "Deleterious"; PolyPhen-2: "Benign"; Align-GVGD: "Class C0"). In summary, the available evidence is currently insufficient to determine the role of this variant in disease. Therefore, it has been classified as a Variant of Uncertain Significance.

NM_031924.8(RSPH3):c.-375C>G

Genes: RSPH3 (radial spoke head 3; minus strand), TAGAP-AS1 (TAGAP antisense RNA 1; plus strand). Cytogenetic location: 6q25.3.
Variant type: single nucleotide variant.
Coding change: c.-375C>G on transcript NM_031924.8 (MANE Select); 375 bases upstream of the start codon, C replaced by G.
Molecular consequence: 5 prime UTR variant. On other transcripts: missense variant (1), non-coding transcript variant (1).
Genome position (GRCh38, 1-based): chr6:158,999,925, G>C on the plus strand (C>G on the coding strand, the complement: RSPH3 is on the minus strand). VCF-style: chr6-158999925-G-C. GRCh37 (hg19) VCF-style: chr6-159420957-G-C.
Other names: c.52C>G, p.Arg18Gly (NM_001346418.1); short protein forms R18G.
Identifiers: ClinVar variation 2092510 (VCV002092510.1), dbSNP rs1019379817, ClinGen allele CA366285983.
Genomic context (GRCh38, chr6:158,999,925, plus strand): 5'-CACAAGGGACTTCCGGCTCTTGACTCCGCCCAGCCGCGCCACCCAGGTAGGTGCGCCTGC[G>C]CTTTGCGAGGTTCCTGGCTAGGGAGGCGGCCTTGGCTGGCTTGACCGTCATCCTTGAGGC-3'